The following is an entry in ClinVar:

NM_018896.5(CACNA1G):c.6326C>T (p.Pro2109Leu)

Gene: CACNA1G (calcium voltage-gated channel subunit alpha1 G; plus strand). Cytogenetic location: 17q21.33.
Variant type: single nucleotide variant.
Coding change: c.6326C>T on transcript NM_018896.5 (MANE Select); coding-DNA position 6326, C replaced by T.
Protein change: p.Pro2109Leu; replaces proline 2109 with leucine.
Molecular consequence: missense variant. On other transcripts: non-coding transcript variant (5).
Genome position (GRCh38, 1-based): chr17:50,624,456, C>T. VCF-style: chr17-50624456-C-T. GRCh37 (hg19) VCF-style: chr17-48701817-C-T.
Other names: c.6137C>T, p.Pro2046Leu (NM_001256324.2); c.6068C>T, p.Pro2023Leu (NM_001256325.2); c.6056C>T, p.Pro2019Leu (NM_001256326.2); c.6026C>T, p.Pro2009Leu (NM_001256327.2); c.5972C>T, p.Pro1991Leu (NM_001256328.2); c.5945C>T, p.Pro1982Leu (NM_001256329.2, NM_198376.3, NM_198387.3); c.5912C>T, p.Pro1971Leu (NM_001256330.2); c.5891C>T, p.Pro1964Leu (NM_001256331.2); and 15 more; short protein forms P1959L, P1964L, P1971L, P1975L, P1978L, P1980L, P1982L, P1989L.
Identifiers: ClinVar variation 4976082 (VCV004976082.1).

ClinVar aggregate classification (germline): Uncertain significance (1 of 4 stars; one submission).

Submission:

GeneDx
Classification: Uncertain significance. Last evaluated: 2026-02-02. Review status: criteria provided, single submitter. Criteria: GeneDx Variant Classification Process June 2021. Collection method: clinical testing. Allele origin: germline.
Comment: Not observed at significant frequency in large population cohorts (gnomAD); In silico analysis suggests that this missense variant does not alter protein structure/function; Has not been previously published as pathogenic or benign to our knowledge